The following is an entry in ClinVar:

NC_000003.12:g.46709605_46709608delinsG

Gene: TMIE (transmembrane inner ear; plus strand). Cytogenetic location: 3p21.31.
Variant type: Indel.
Genome position: GRCh38 VCF-style: chr3-46709605-AAGA-G. GRCh37 (hg19) VCF-style: chr3-46751095-AAGA-G.
Other names: c.229_232delinsG, p.Lys77_Lys78delinsGlu (NM_001370524.1, NM_001370525.1); c.388_391delinsG, p.Lys130_Lys131delinsGlu (NM_147196.3).
Identifiers: ClinVar variation 47961 (VCV000047961.5), dbSNP rs397517868, ClinGen allele CA142260.
Genomic context (GRCh38, chr3:46,709,605, plus strand): 5'-CACTATCACATGGTCTCTTCCCCCTGCCCCACAGAGGATAAGAAGAAGAAGAAGAAGAAG[AAGA>G]AGGACAGTGTGGACACAGTGGCCATCAAAGTAGAGGAGGATGAGAAGAATGAGGCCAAGA-3'

ClinVar aggregate classification (germline): Likely benign (1 of 4 stars; one submission).

Submission:

Laboratory for Molecular Medicine, Mass General Brigham Personalized Medicine
Classification: Likely benign. Last evaluated: 2012-08-30. Review status: criteria provided, single submitter. Criteria: LMM Criteria. Collection method: clinical testing. Allele origin: germline. Observed: 2 variant alleles.
Comment: Lys130_Lys131delinsGlu in exon 4 of TMIE: This variant represents a missense cha nge, Lys131Glu (dbSNP ID rs201683042), that arose on the background of the very common benign variant Lys131del (dbSNP ID rs10578999). Neither variant, nor the combination of variants, is expected to impact the protein as the 3 bp deletion is extremely common and the missense change occurs in a mammal (rabbit has the L ys131Glu in its normal TMIE protein).